The following is an entry in ClinVar:

ClinVar aggregate classification (germline): Likely benign (1 of 4 stars; one submission).

Conditions:
PHF6-related disorder. Also called: PHF6-related condition.

Submission:

PreventionGenetics, part of Exact Sciences
Classification: Likely benign for PHF6-related condition. Last evaluated: 2025-01-13. Review status: criteria provided, single submitter. Criteria: ACMG Guidelines, 2015. Collection method: clinical testing. Allele origin: germline.
Comment: This variant is classified as likely benign based on ACMG/AMP sequence variant interpretation guidelines (Richards et al. 2015 PMID: 25741868, with internal and published modifications).

NM_001015877.2(PHF6):c.673C>A (p.Arg225=)

Gene: PHF6 (PHD finger protein 6; plus strand). Cytogenetic location: Xq26.2.
Variant type: single nucleotide variant.
Coding change: c.673C>A on transcript NM_001015877.2 (MANE Select); coding-DNA position 673, C replaced by A.
Protein change: p.Arg225=; no amino-acid change (arginine 225 retained).
Molecular consequence: synonymous variant.
Genome position (GRCh38, 1-based): chrX:134,413,910, C>A. VCF-style: chrX-134413910-C-A. GRCh37 (hg19) VCF-style: chrX-133547940-C-A.
Other names: c.676C>A, p.Arg226= (NM_032335.3); c.673C>A, p.Arg225= (NM_032458.3).
Identifiers: ClinVar variation 4980079 (VCV004980079.1).